The following is an entry in ClinVar:

NM_001273.5(CHD4):c.1933C>T (p.Arg645Trp)

Gene: CHD4 (chromodomain helicase DNA binding protein 4; minus strand). Cytogenetic location: 12p13.31.
Variant type: single nucleotide variant.
Coding change: c.1933C>T on transcript NM_001273.5 (MANE Select); coding-DNA position 1933, C replaced by T.
Protein change: p.Arg645Trp; replaces arginine 645 with tryptophan.
Molecular consequence: missense variant.
Genome position (GRCh38, 1-based): chr12:6,596,097, G>A on the plus strand (C>T on the coding strand, the complement: CHD4 is on the minus strand). VCF-style: chr12-6596097-G-A. GRCh37 (hg19) VCF-style: chr12-6705263-G-A.
Other names: c.1912C>T, p.Arg638Trp (NM_001297553.2); c.1894C>T, p.Arg632Trp (NM_001363606.2); short protein forms R632W, R638W, R645W.
Identifiers: ClinVar variation 3340569 (VCV003340569.1).
Genomic context (GRCh38, chr12:6,596,097, plus strand): 5'-CGTAATCCTGGATCTCCACATCCTCACTCTCCCAAGAAGCCTGATCGTAAGGTAAGTCCC[G>A]CCACTTGATCAAGTAGTGGACGTGGCCCTTCTTGTCCACACTGCAAGTCCAGGAGAGAAA-3'
Protein context (NP_001264.2, residues 635-655): KGHVHYLIKW[Arg645Trp]DLPYDQASWE

ClinVar aggregate classification (germline): Likely pathogenic (1 of 4 stars; one submission).

Submission:

GeneDx
Classification: Likely pathogenic. Last evaluated: 2023-05-18. Review status: criteria provided, single submitter. Criteria: GeneDx Variant Classification Process June 2021. Collection method: clinical testing. Allele origin: germline. Affected: yes.
Comment: Not observed at significant frequency in large population cohorts (gnomAD); In silico analysis supports that this missense variant has a deleterious effect on protein structure/function; This variant is associated with the following publications: (PMID: 31388190, 28135719, 31785789)